The following is an entry in ClinVar:

ClinVar aggregate classification (germline): Pathogenic. Review status: criteria provided, single submitter (1 of 4 stars). 2 submissions from 2 submitters: Pathogenic (1). 1 of the submissions does not count toward it. Last evaluated 2024-07-08.

Conditions:
Metaphyseal chondrodysplasia, McKusick type (CHH). Also called: Cartilage-hair hypoplasia; Cartilage-Hair Hypoplasia (CHH). Identifiers: Orphanet 175, MedGen C0220748, MONDO:0009595, OMIM 250250.
Anauxetic dysplasia. Identifiers: Orphanet 93347, MedGen C1846796, MONDO:0011773.

Submissions (2):

Labcorp Genetics (formerly Invitae), Labcorp
Classification: Pathogenic for Anauxetic dysplasia. Last evaluated: 2024-07-08. Review status: criteria provided, single submitter. Criteria: Invitae Variant Classification Sherloc (09022015). Collection method: clinical testing. Allele origin: germline.
Comment: This variant occurs in the RMRP gene, which encodes an RNA molecule that does not result in a protein product. This variant is present in population databases (no rsID available, gnomAD 0.002%). While this particular variant has not been reported in the literature, it is located in the promoter region between the TATA box and the transcription initiation site, and other insertions and duplications immediately upstream of the coding sequence have been reported in individuals affected with cartilage-hair hypoplasia-anauxetic dysplasia (CHH-AD) spectrum disorders (PMID: 16244706, 11207361, 12107819). While functional studies for this variant have not been reported, experimental analyses using patient derived cells, as well as in vitro transfection studies, have shown that promoter insertions result in silencing of RMRP transcription and reduced expression of the gene product (PMID: 11207361, 16254002). For these reasons, this variant has been classified as Pathogenic.

Counsyl
Classification: Likely pathogenic for Metaphyseal chondrodysplasia, McKusick type. Last evaluated: 2018-02-14. Review status: no assertion criteria provided. Collection method: clinical testing. Allele origin: unknown. Not counted in ClinVar's aggregate classification.

Literature cited by the submitters: PubMed 16244706 (cited by Labcorp Genetics (formerly Invitae), Labcorp); PubMed 11207361 (cited by Labcorp Genetics (formerly Invitae), Labcorp); PubMed 12107819 (cited by Labcorp Genetics (formerly Invitae), Labcorp); PubMed 16254002 (cited by Labcorp Genetics (formerly Invitae), Labcorp).

NC_000009.12:g.35658018_35658026dup

Gene: RMRP (RNA component of mitochondrial RNA processing endoribonuclease; minus strand). Cytogenetic location: 9p13.3.
Variant type: Duplication.
Genome position: GRCh38 VCF-style: chr9-35658016-A-ACCACGTCCT. GRCh37 (hg19) VCF-style: chr9-35658013-A-ACCACGTCCT.
Identifiers: ClinVar variation 556720 (VCV000556720.7), dbSNP rs1554651365, ClinGen allele CA587570182.